The following is an entry in ClinVar:

ClinVar aggregate classification (germline): Uncertain significance (1 of 4 stars; one submission).

Allele frequency attached by ClinVar (database versions not stated): gnomAD exomes 0.00001 and below 0.00001; TOPMed 0.00002; gnomAD 0.00001.
gnomAD v4.1: 15 of 1,613,370 alleles (0.00093%); highest among the groups gnomAD compares: Admixed American, 0.0017%; no homozygotes.

Submission:

Labcorp Genetics (formerly Invitae), Labcorp
Classification: Uncertain significance. Last evaluated: 2023-10-18. Review status: criteria provided, single submitter. Criteria: Invitae Variant Classification Sherloc (09022015). Collection method: clinical testing. Allele origin: germline.
Comment: This sequence change creates a premature translational stop signal (p.Arg148*) in the ABRAXAS1 gene. It is expected to result in an absent or disrupted protein product. However, the current clinical and genetic evidence is not sufficient to establish whether loss-of-function variants in ABRAXAS1 cause disease. This variant is present in population databases (no rsID available, gnomAD 0.0009%). This variant has not been reported in the literature in individuals affected with ABRAXAS1-related conditions. ClinVar contains an entry for this variant (Variation ID: 642937). Algorithms developed to predict the effect of sequence changes on RNA splicing suggest that this variant may disrupt the consensus splice site. In summary, the available evidence is currently insufficient to determine the role of this variant in disease. Therefore, it has been classified as a Variant of Uncertain Significance.

NM_139076.3(ABRAXAS1):c.442C>T (p.Arg148Ter)

Gene: ABRAXAS1 (abraxas 1, BRCA1 A complex subunit; minus strand). Cytogenetic location: 4q21.23.
Variant type: single nucleotide variant.
Coding change: c.442C>T on transcript NM_139076.3 (MANE Select); coding-DNA position 442, C replaced by T.
Protein change: p.Arg148Ter; replaces arginine 148 with a stop codon.
Molecular consequence: nonsense.
Genome position (GRCh38, 1-based): chr4:83,470,237, G>A on the plus strand (C>T on the coding strand, the complement: ABRAXAS1 is on the minus strand). VCF-style: chr4-83470237-G-A. GRCh37 (hg19) VCF-style: chr4-84391390-G-A.
Other names: c.115C>T, p.Arg39Ter (NM_001345962.2); short protein forms R39*, R148*.
Identifiers: ClinVar variation 642937 (VCV000642937.8), dbSNP rs1046873224, ClinGen allele CA100684704.